The following is an entry in ClinVar:

NM_022829.6(SLC13A3):c.1501C>T (p.Arg501Cys)

Gene: SLC13A3 (solute carrier family 13 member 3; minus strand). Cytogenetic location: 20q13.12.
Variant type: single nucleotide variant.
Coding change: c.1501C>T on transcript NM_022829.6 (MANE Select); coding-DNA position 1501, C replaced by T.
Protein change: p.Arg501Cys; replaces arginine 501 with cysteine.
Molecular consequence: missense variant.
Genome position (GRCh38, 1-based): chr20:46,563,545, G>A on the plus strand (C>T on the coding strand, the complement: SLC13A3 is on the minus strand). VCF-style: chr20-46563545-G-A. GRCh37 (hg19) VCF-style: chr20-45192184-G-A.
Other names: c.1351C>T, p.Arg451Cys (NM_001193339.2); c.1255C>T, p.Arg419Cys (NM_001193340.2); c.1207C>T, p.Arg403Cys (NM_001193342.2); c.1360C>T, p.Arg454Cys (NM_001011554.3); short protein forms R403C, R419C, R451C, R454C, R501C.
Identifiers: ClinVar variation 3607188 (VCV003607188.2).
Genomic context (GRCh38, chr20:46,563,545, plus strand): 5'-AGGCAAAGGAGCAGCCGACTGTGCCCGGAATCATCAGATACAGGGGGTGCACTCTCAGGC[G>A]GATGGCCTGGGCCAGGAAAAGGTGGGAGAGACCCGGAGAGAGACCAACGCAGAGCGACCA-3'
Protein context (NP_073740.2, residues 491-511): FLPVLAELAI[Arg501Cys]LRVHPLYLMI

ClinVar aggregate classification (germline): Uncertain significance (1 of 4 stars; one submission).

gnomAD v4.1: 41 of 1,613,460 alleles (0.0025%); highest among the groups gnomAD compares: East Asian, 0.0045%; no homozygotes.

Submission:

Labcorp Genetics (formerly Invitae), Labcorp
Classification: Uncertain significance. Last evaluated: 2024-11-11. Review status: criteria provided, single submitter. Criteria: Invitae Variant Classification Sherloc (09022015). Collection method: clinical testing. Allele origin: germline.
Comment: This sequence change replaces arginine, which is basic and polar, with cysteine, which is neutral and slightly polar, at codon 501 of the SLC13A3 protein (p.Arg501Cys). This variant is present in population databases (rs760627245, gnomAD 0.005%). This variant has not been reported in the literature in individuals affected with SLC13A3-related conditions. Invitae Evidence Modeling of protein sequence and biophysical properties (such as structural, functional, and spatial information, amino acid conservation, physicochemical variation, residue mobility, and thermodynamic stability) indicates that this missense variant is not expected to disrupt SLC13A3 protein function with a negative predictive value of 80%. In summary, the available evidence is currently insufficient to determine the role of this variant in disease. Therefore, it has been classified as a Variant of Uncertain Significance.